The following is an entry in ClinVar:

ClinVar aggregate classification (germline): Uncertain significance (1 of 4 stars; one submission).

Allele frequency attached by ClinVar (database versions not stated): gnomAD 0.00002.
gnomAD v4.1: 11 of 1,609,198 alleles (0.00068%); highest among the groups gnomAD compares: African/African-American, 0.0094%; no homozygotes.

Submission:

GeneDx
Classification: Uncertain significance. Last evaluated: 2023-01-11. Review status: criteria provided, single submitter. Criteria: GeneDx Variant Classification Process June 2021. Collection method: clinical testing. Allele origin: germline. Affected: yes.
Comment: In silico analysis supports that this variant does not alter splicing; Has not been previously published as pathogenic or benign to our knowledge

NM_004700.4(KCNQ4):c.297C>T (p.Phe99=)

Gene: KCNQ4 (potassium voltage-gated channel subfamily Q member 4; plus strand). Cytogenetic location: 1p34.2.
Variant type: single nucleotide variant.
Coding change: c.297C>T on transcript NM_004700.4 (MANE Select); coding-DNA position 297, C replaced by T.
Protein change: p.Phe99=; no amino-acid change (phenylalanine 99 retained).
Molecular consequence: synonymous variant.
Genome position (GRCh38, 1-based): chr1:40,784,390, C>T. VCF-style: chr1-40784390-C-T. GRCh37 (hg19) VCF-style: chr1-41250062-C-T.
Other names: c.297C>T, p.Phe99= (NM_172163.3).
Identifiers: ClinVar variation 2572796 (VCV002572796.1), dbSNP rs946751290, ClinGen allele CA417354878.